The following is an entry in ClinVar:

ClinVar aggregate classification (germline): Benign/Likely benign. Review status: criteria provided, multiple submitters, no conflicts (2 of 4 stars). 11 submissions from 10 submitters: Benign (7); Likely benign (1). 3 of the submissions do not count toward it. Last evaluated 2026-01-26.

Conditions:
Emery-Dreifuss muscular dystrophy 4, autosomal dominant (EDMD4). Also called: EMERY-DREIFUSS MUSCULAR DYSTROPHY 4 WITH VARIABLE FEATURES. Identifiers: Orphanet 261, MedGen C2751807, MONDO:0013071, OMIM 612998.
Arthrogryposis multiplex congenita 3, myogenic type. Also called: ARTHROGRYPOSIS MULTIPLEX CONGENITA, MYOGENIC TYPE. Identifiers: MedGen C5193121, MONDO:0032778, OMIM 618484.
Autosomal recessive ataxia, Beauce type. Also called: SYNE1-Related Autosomal Recessive Cerebellar Ataxia; ATAXIA, RECESSIVE, OF BEAUCE; Spinocerebellar ataxia, autosomal recessive 8; SYNE1 Deficiency. Identifiers: Orphanet 88644, MedGen C1853116, MONDO:0012549, OMIM 610743.

Allele frequency attached by ClinVar (database versions not stated): 1000 Genomes Project 30x 0.01562; gnomAD 0.01300 and 0.01221; TOPMed 0.01337; 1000 Genomes Project 0.01518; gnomAD exomes 0.00321; ESP Exome Variant Server 0.01553.
gnomAD v4.1: 3,693 of 1,614,176 alleles (0.23%); highest among the groups gnomAD compares: African/African-American, 4.2%; 61 homozygotes.

Submissions (11):

Labcorp Genetics (formerly Invitae), Labcorp
Classification: Benign for Emery-Dreifuss muscular dystrophy 4, autosomal dominant; Autosomal recessive ataxia, Beauce type. Last evaluated: 2026-01-26. Review status: criteria provided, single submitter. Criteria: Invitae Variant Classification Sherloc (09022015). Collection method: clinical testing. Allele origin: germline.

Athena Diagnostics
Classification: Benign. Last evaluated: 2024-08-27. Review status: criteria provided, single submitter. Criteria: Athena Diagnostics Criteria. Collection method: clinical testing. Allele origin: unknown.

Fulgent Genetics
Classification: Likely benign for Autosomal recessive ataxia, Beauce type; Emery-Dreifuss muscular dystrophy 4, autosomal dominant; Arthrogryposis multiplex congenita 3, myogenic type. Last evaluated: 2021-08-06. Review status: criteria provided, single submitter. Criteria: ACMG Guidelines, 2015. Collection method: clinical testing. Allele origin: unknown.

Mayo Clinic Laboratories, Mayo Clinic
Classification: Benign. Last evaluated: 2018-04-04. Review status: criteria provided, single submitter. Criteria: ACMG Guidelines, 2015. Collection method: clinical testing. Allele origin: germline. Observed: 7 variant alleles.

Illumina Laboratory Services, Illumina
Classification: Benign for Emery-Dreifuss muscular dystrophy 4, autosomal dominant. Last evaluated: 2018-01-13. Review status: criteria provided, single submitter. Criteria: ICSL Variant Classification Criteria 13 December 2019. Collection method: clinical testing. Allele origin: germline.
Comment: This variant was observed in the ICSL laboratory as part of a predisposition screen in an ostensibly healthy population. It had not been previously curated by ICSL or reported in the Human Gene Mutation Database (HGMD: prior to June 1st, 2018), and was therefore a candidate for classification through an automated scoring system. Utilizing variant allele frequency, disease prevalence and penetrance estimates, and inheritance mode, an automated score was calculated to assess if this variant is too frequent to cause the disease. Based on the score and internal cut-off values, a variant classified as benign is not then subjected to further curation. The score for this variant resulted in a classification of benign for this disease.

Illumina Laboratory Services, Illumina
Classification: Benign for Autosomal recessive ataxia, Beauce type. Last evaluated: 2018-01-13. Review status: criteria provided, single submitter. Criteria: ICSL Variant Classification Criteria 13 December 2019. Collection method: clinical testing. Allele origin: germline.
Comment: the same text as in the submission from Illumina Laboratory Services, Illumina above.

ARUP Laboratories, Molecular Genetics and Genomics, ARUP Laboratories
Classification: Benign. Last evaluated: 2017-08-07. Review status: criteria provided, single submitter. Criteria: ARUP Molecular Germline Variant Investigation Process. Collection method: clinical testing. Allele origin: germline.

GeneDx
Classification: Benign. Last evaluated: 2017-04-07. Review status: criteria provided, single submitter. Criteria: GeneDx Variant Classification (06012015). Collection method: clinical testing. Allele origin: germline. Affected: yes.
Comment: This variant is considered likely benign or benign based on one or more of the following criteria: it is a conservative change, it occurs at a poorly conserved position in the protein, it is predicted to be benign by multiple in silico algorithms, and/or has population frequency not consistent with disease.

Clinical Genetics DNA and cytogenetics Diagnostics Lab, Erasmus MC, Erasmus Medical Center
Classification: Benign. Review status: no assertion criteria provided. Collection method: clinical testing. Allele origin: germline. Affected: yes. Study: VKGL Data-share Consensus. Not counted in ClinVar's aggregate classification.

Genetic Services Laboratory, University of Chicago
Classification: Likely benign for AllHighlyPenetrant. Review status: no assertion criteria provided. Collection method: clinical testing. Allele origin: germline. Inheritance: Autosomal dominant inheritance. Not counted in ClinVar's aggregate classification.
Comment: Likely benign based on allele frequency in 1000 Genomes Project or ESP global frequency and its presence in a patient with a rare or unrelated disease phenotype. NOT Sanger confirmed.

Genome Diagnostics Laboratory, University Medical Center Utrecht
Classification: Benign. Review status: no assertion criteria provided. Collection method: clinical testing. Allele origin: germline. Affected: yes. Study: VKGL Data-share Consensus. Not counted in ClinVar's aggregate classification.

NM_182961.4(SYNE1):c.10207G>A (p.Gly3403Ser)

Gene: SYNE1 (spectrin repeat containing nuclear envelope protein 1; minus strand). Cytogenetic location: 6q25.2.
Variant type: single nucleotide variant.
Coding change: c.10207G>A on transcript NM_182961.4 (MANE Select); coding-DNA position 10207, G replaced by A.
Protein change: p.Gly3403Ser; replaces glycine 3403 with serine.
Molecular consequence: missense variant.
Genome position (GRCh38, 1-based): chr6:152,362,262, C>T on the plus strand (G>A on the coding strand, the complement: SYNE1 is on the minus strand). VCF-style: chr6-152362262-C-T. GRCh37 (hg19) VCF-style: chr6-152683397-C-T.
Other names: c.10228G>A, p.Gly3410Ser (NM_033071.5); short protein forms G3403S, G3410S.
Identifiers: ClinVar variation 130389 (VCV000130389.31), dbSNP rs116758271, ClinGen allele CA155319.